The following is an entry in ClinVar:

NM_000135.4(FANCA):c.3114C>T (p.Leu1038=)

Gene: FANCA (FA complementation group A; minus strand). Cytogenetic location: 16q24.3.
Variant type: single nucleotide variant.
Coding change: c.3114C>T on transcript NM_000135.4 (MANE Select); coding-DNA position 3114, C replaced by T.
Protein change: p.Leu1038=; no amino-acid change (leucine 1038 retained).
Molecular consequence: synonymous variant.
Genome position (GRCh38, 1-based): chr16:89,749,855, G>A on the plus strand (C>T on the coding strand, the complement: FANCA is on the minus strand). VCF-style: chr16-89749855-G-A. GRCh37 (hg19) VCF-style: chr16-89816263-G-A.
Other names: c.3114C>T (LRG_495t1, NM_000135.3); c.3114C>T, p.Leu1038= (NM_001286167.3).
Identifiers: ClinVar variation 321342 (VCV000321342.22), dbSNP rs55758861, ClinGen allele CA8251326.

ClinVar aggregate classification (germline): Benign/Likely benign. Review status: criteria provided, multiple submitters, no conflicts (2 of 4 stars). 7 submissions from 7 submitters: Benign (2); Likely benign (4). 1 of the submissions does not count toward it. Last evaluated 2026-01-29.

Conditions:
Fanconi anemia complementation group A (FANCA). Also called: Fanconi anemia, group A; FANCA-Related Fanconi Anemia. Identifiers: Orphanet 84, MedGen C3469521, MONDO:0009215, OMIM 227650.
Inborn genetic diseases. Identifiers: MedGen C0950123, MeSH D030342.
Fanconi anemia (FA). Also called: Fanconi's anemia. Identifiers: Orphanet 84, MedGen C0015625, MeSH D005199, MONDO:0019391.

Allele frequency attached by ClinVar (database versions not stated): ESP Exome Variant Server 0.00008; gnomAD 0.00009 and 0.00017; TOPMed 0.00012; gnomAD exomes 0.00035; ExAC 0.00037; 1000 Genomes Project 30x 0.00047; 1000 Genomes Project 0.00060.
gnomAD v4.1: 645 of 1,614,190 alleles (0.04%); highest among the groups gnomAD compares: East Asian, 1.4%; 7 homozygotes.

Submissions (7):

Labcorp Genetics (formerly Invitae), Labcorp
Classification: Benign for Fanconi anemia. Last evaluated: 2026-01-29. Review status: criteria provided, single submitter. Criteria: Invitae Variant Classification Sherloc (09022015). Collection method: clinical testing. Allele origin: germline.

Quest Diagnostics Nichols Institute San Juan Capistrano
Classification: Benign. Last evaluated: 2025-09-01. Review status: criteria provided, single submitter. Criteria: Quest Diagnostics criteria. Collection method: clinical testing. Allele origin: unknown.

Ambry Genetics
Classification: Likely benign for Inborn genetic diseases. Last evaluated: 2024-10-17. Review status: criteria provided, single submitter. Criteria: Ambry Variant Classification Scheme 2023. Collection method: clinical testing. Allele origin: germline.

Sema4
Classification: Likely benign for Fanconi anemia. Last evaluated: 2021-10-12. Review status: criteria provided, single submitter. Criteria: Sema4 Curation Guidelines. Collection method: curation. Allele origin: germline.

Genetic Services Laboratory, University of Chicago
Classification: Likely benign. Last evaluated: 2018-08-03. Review status: criteria provided, single submitter. Criteria: ACMG Guidelines, 2015. Collection method: clinical testing. Allele origin: germline. Affected: no.

Illumina Laboratory Services, Illumina
Classification: Likely benign for Fanconi anemia complementation group A. Last evaluated: 2018-01-13. Review status: criteria provided, single submitter. Criteria: ICSL Variant Classification Criteria 13 December 2019. Collection method: clinical testing. Allele origin: germline.
Comment: This variant was observed in the ICSL laboratory as part of a predisposition screen in an ostensibly healthy population. It had not been previously curated by ICSL or reported in the Human Gene Mutation Database (HGMD: prior to June 1st, 2018), and was therefore a candidate for classification through an automated scoring system. Utilizing variant allele frequency, disease prevalence and penetrance estimates, and inheritance mode, an automated score was calculated to assess if this variant is too frequent to cause the disease. Based on the score and internal cut-off values, a variant classified as likely benign is not then subjected to further curation. The score for this variant resulted in a classification of likely benign for this disease.

Natera, Inc.
Classification: Likely benign for Fanconi anemia, group A. Last evaluated: 2020-05-01. Review status: no assertion criteria provided. Collection method: clinical testing. Allele origin: germline. Not counted in ClinVar's aggregate classification.